The following is an entry in ClinVar:

NM_001365536.1(SCN9A):c.4869_4870delinsGA (p.Val1624Ile)

Genes: SCN9A (sodium voltage-gated channel alpha subunit 9; minus strand), SCN1A-AS1 (SCN1A and SCN9A antisense RNA 1; plus strand). Cytogenetic location: 2q24.3.
Variant type: Indel.
Coding change: c.4869_4870delinsGA on transcript NM_001365536.1 (MANE Select); coding-DNA positions 4869 to 4870, AG replaced by GA.
Protein change: p.Val1624Ile; replaces valine 1624 with isoleucine.
Molecular consequence: missense variant. On other transcripts: non-coding transcript variant (1).
Genome position (GRCh38, 1-based): chr2:166,199,769-166,199,770, CT replaced by TC on the plus strand (AG replaced by GA on the coding strand, the reverse complement: SCN9A is on the minus strand). VCF-style: chr2-166199769-CT-TC. GRCh37 (hg19) VCF-style: chr2-167056279-CT-TC.
Other names: c.4836_4837delAGinsGA (NM_002977.3); c.4836_4837delAGinsGA, p.Val1613Ile (NM_002977.4); short protein forms V1613I, V1624I.
Identifiers: ClinVar variation 538449 (VCV000538449.11), dbSNP rs1553473301, ClinGen allele CA658795949.

ClinVar aggregate classification (germline): Uncertain significance (1 of 4 stars; one submission).

Conditions:
Neuropathy, hereditary sensory and autonomic, type 2A (HSAN2A). Also called: ACROOSTEOLYSIS, GIACCAI TYPE; ACROOSTEOLYSIS, NEUROGENIC; MORVAN DISEASE; NEUROPATHY, CONGENITAL SENSORY; NEUROPATHY, HEREDITARY SENSORY RADICULAR, AUTOSOMAL RECESSIVE; NEUROPATHY, HEREDITARY SENSORY, TYPE IIA. Identifiers: Orphanet 970, MedGen C2752089, MONDO:0024309, OMIM 201300.
Generalized epilepsy with febrile seizures plus, type 7 (GEFSP7). Also called: GEFS+, TYPE 7. Identifiers: Orphanet 36387, MedGen C2751778, MONDO:0013470, OMIM 613863.

Submission:

Labcorp Genetics (formerly Invitae), Labcorp
Classification: Uncertain significance for Neuropathy, hereditary sensory and autonomic, type 2A; Generalized epilepsy with febrile seizures plus, type 7. Last evaluated: 2025-10-08. Review status: criteria provided, single submitter. Criteria: Invitae Variant Classification Sherloc (09022015). Collection method: clinical testing. Allele origin: germline.
Comment: This sequence change replaces valine, which is neutral and non-polar, with isoleucine, which is neutral and non-polar, at codon 1613 of the SCN9A protein (p.Val1613Ile). Information on the frequency of this variant in the gnomAD database is not available, as this variant may be reported differently in the database. This variant has not been reported in the literature in individuals affected with SCN9A-related conditions. ClinVar contains an entry for this variant (Variation ID: 538449). An algorithm developed to predict the effect of missense changes on protein structure and function outputs the following: PolyPhen-2: "Not Available". The isoleucine amino acid residue is found in multiple mammalian species, which suggests that this missense change does not adversely affect protein function. In summary, the available evidence is currently insufficient to determine the role of this variant in disease. Therefore, it has been classified as a Variant of Uncertain Significance.